The following is an entry in ClinVar:

NM_002029.4(FPR1):c.772C>T (p.Gln258Ter)

Gene: FPR1 (formyl peptide receptor 1; minus strand). Cytogenetic location: 19q13.41.
Variant type: single nucleotide variant.
Coding change: c.772C>T on transcript NM_002029.4 (MANE Select); coding-DNA position 772, C replaced by T.
Protein change: p.Gln258Ter; replaces glutamine 258 with a stop codon.
Molecular consequence: nonsense.
Genome position (GRCh38, 1-based): chr19:51,746,223, G>A on the plus strand (C>T on the coding strand, the complement: FPR1 is on the minus strand). VCF-style: chr19-51746223-G-A. GRCh37 (hg19) VCF-style: chr19-52249476-G-A.
Other names: c.772C>T, p.Gln258Ter (NM_001193306.2); short protein forms Q258*.
Identifiers: ClinVar variation 161561 (VCV000161561.2), dbSNP rs193920896, ClinGen allele CA174343.
Genomic context (GRCh38, chr19:51,746,223, plus strand): 5'-CTTTGTACATGCCTTGCAATAACTCACGGATTCTGACTGTGGCTATAAGGGCCACCACCT[G>A]ATATGGGGACCAGCAGAGAAAAAAGGCTGCTGCGACAAAGGAGAGGACCCGTAAGGGACG-3'

ClinVar aggregate classification (germline): Uncertain significance (0 of 4 stars; one submission).

Conditions:
Prostate cancer. Also called: Malignant tumor of prostate. Identifiers: Orphanet 1331, MedGen C0376358, MONDO:0008315, HP:0012125.

Submission:

Science for Life laboratory,  Karolinska Institutet
Classification: Uncertain significance for Malignant tumor of prostate. Review status: no assertion criteria provided. Collection method: not provided. Allele origin: somatic.
Comment: TumorID:SWE-18
ClinVar note: Converted during submission from Unknown to Uncertain significance.